The following is an entry in ClinVar:

NM_025257.3(SLC44A4):c.751C>T (p.Arg251Cys)

Gene: SLC44A4 (solute carrier family 44 member 4; minus strand). Cytogenetic location: 6p21.33.
Variant type: single nucleotide variant.
Coding change: c.751C>T on transcript NM_025257.3 (MANE Select); coding-DNA position 751, C replaced by T.
Protein change: p.Arg251Cys; replaces arginine 251 with cysteine.
Molecular consequence: missense variant.
Genome position (GRCh38, 1-based): chr6:31,870,998, G>A on the plus strand (C>T on the coding strand, the complement: SLC44A4 is on the minus strand). VCF-style: chr6-31870998-G-A. GRCh37 (hg19) VCF-style: chr6-31838775-G-A.
Other names: c.625C>T, p.Arg209Cys (NM_001178044.2); c.523C>T, p.Arg175Cys (NM_001178045.2); c.751C>T, p.Arg251Cys (NM_032794.1); short protein forms R209C, R251C, R175C.
Identifiers: ClinVar variation 1983412 (VCV001983412.4), dbSNP rs749880296, ClinGen allele CA3725594.

ClinVar aggregate classification (germline): Uncertain significance (1 of 4 stars; one submission).

Allele frequency attached by ClinVar (database versions not stated): gnomAD 0.00001.
gnomAD v4.1: 38 of 1,612,336 alleles (0.0024%); highest among the groups gnomAD compares: Middle Eastern, 0.016%; 1 homozygote.

Submission:

Labcorp Genetics (formerly Invitae), Labcorp
Classification: Uncertain significance. Last evaluated: 2022-08-29. Review status: criteria provided, single submitter. Criteria: Invitae Variant Classification Sherloc (09022015). Collection method: clinical testing. Allele origin: germline.
Comment: In summary, the available evidence is currently insufficient to determine the role of this variant in disease. Therefore, it has been classified as a Variant of Uncertain Significance. Algorithms developed to predict the effect of missense changes on protein structure and function are either unavailable or do not agree on the potential impact of this missense change (SIFT: "Not Available"; PolyPhen-2: "Probably Damaging"; Align-GVGD: "Not Available"). This variant has not been reported in the literature in individuals affected with SLC44A4-related conditions. This variant is present in population databases (rs749880296, gnomAD 0.02%). This sequence change replaces arginine, which is basic and polar, with cysteine, which is neutral and slightly polar, at codon 251 of the SLC44A4 protein (p.Arg251Cys).